The following is an entry in ClinVar:

ClinVar aggregate classification (germline): Uncertain significance. Review status: criteria provided, multiple submitters, no conflicts (2 of 4 stars). 2 submissions from 2 submitters: Uncertain significance (2). Last evaluated 2025-11-09.

Conditions:
Noonan syndrome 9 (NS9). Identifiers: Orphanet 648, MedGen C4225282, MONDO:0014691, OMIM 616559.
Cardiovascular phenotype. Identifiers: MedGen CN230736.

Allele frequency attached by ClinVar (database versions not stated): gnomAD 0.00001.
gnomAD v4.1: 1 of 1,601,552 alleles (0.000062%); highest among the groups gnomAD compares: African/African-American, 0.0013%; no homozygotes.

Submissions (2):

Labcorp Genetics (formerly Invitae), Labcorp
Classification: Uncertain significance for Noonan syndrome 9. Last evaluated: 2025-11-09. Review status: criteria provided, single submitter. Criteria: Invitae Variant Classification Sherloc (09022015). Collection method: clinical testing. Allele origin: germline.
Comment: This sequence change replaces serine, which is neutral and polar, with isoleucine, which is neutral and non-polar, at codon 997 of the SOS2 protein (p.Ser997Ile). This variant is not present in population databases (gnomAD no frequency). This variant has not been reported in the literature in individuals affected with SOS2-related conditions. ClinVar contains an entry for this variant (Variation ID: 1943721). Invitae Evidence Modeling of protein sequence and biophysical properties (such as structural, functional, and spatial information, amino acid conservation, physicochemical variation, residue mobility, and thermodynamic stability) indicates that this missense variant is not expected to disrupt SOS2 protein function with a negative predictive value of 95%. In summary, the available evidence is currently insufficient to determine the role of this variant in disease. Therefore, it has been classified as a Variant of Uncertain Significance.

Ambry Genetics
Classification: Uncertain significance for Cardiovascular phenotype. Last evaluated: 2025-08-08. Review status: criteria provided, single submitter. Criteria: Ambry Variant Classification Scheme 2023. Collection method: clinical testing. Allele origin: germline.

NM_006939.4(SOS2):c.2990G>T (p.Ser997Ile)

Gene: SOS2 (SOS Ras/Rho guanine nucleotide exchange factor 2; minus strand). Cytogenetic location: 14q21.3.
Variant type: single nucleotide variant.
Coding change: c.2990G>T on transcript NM_006939.4 (MANE Select); coding-DNA position 2990, G replaced by T.
Protein change: p.Ser997Ile; replaces serine 997 with isoleucine.
Molecular consequence: missense variant.
Genome position (GRCh38, 1-based): chr14:50,134,208, C>A on the plus strand (G>T on the coding strand, the complement: SOS2 is on the minus strand). VCF-style: chr14-50134208-C-A. GRCh37 (hg19) VCF-style: chr14-50600926-C-A.
Other names: c.2891G>T, p.Ser964Ile (NM_001411020.1); c.2990G>T (NM_006939.2); short protein forms S964I, S997I.
Identifiers: ClinVar variation 1943721 (VCV001943721.6), dbSNP rs1883999102, ClinGen allele CA389641847.
Genomic context (GRCh38, chr14:50,134,208, plus strand): 5'-CGAGGTTCAATTTCTAGTGACTTGTTGAACAAATAATCTGTAAACTCTTTTTCAGATGCA[C>A]TTCCCATGGGGTTAAGGTTTTCAAAGAATCTCTGGAATTAAACAAATAACACAAGTGCAT-3'
Protein context (NP_008870.2, residues 987-1007): RFFENLNPMG[Ser997Ile]ASEKEFTDYL